The following is an entry in ClinVar:

NM_198253.3(TERT):c.2867C>G (p.Ala956Gly)

Gene: TERT (telomerase reverse transcriptase; minus strand). Cytogenetic location: 5p15.33.
Variant type: single nucleotide variant.
Coding change: c.2867C>G on transcript NM_198253.3 (MANE Select); coding-DNA position 2867, C replaced by G.
Protein change: p.Ala956Gly; replaces alanine 956 with glycine.
Molecular consequence: missense variant. On other transcripts: non-coding transcript variant (2).
Genome position (GRCh38, 1-based): chr5:1,260,577, G>C on the plus strand (C>G on the coding strand, the complement: TERT is on the minus strand). VCF-style: chr5-1260577-G-C. GRCh37 (hg19) VCF-style: chr5-1260692-G-C.
Other names: c.2678C>G, p.Ala893Gly (NM_001193376.3); short protein forms A893G, A956G.
Identifiers: ClinVar variation 4056037 (VCV004056037.1).

ClinVar aggregate classification (germline): Uncertain significance (1 of 4 stars; one submission).

Submission:

GeneDx
Classification: Uncertain significance. Last evaluated: 2025-01-07. Review status: criteria provided, single submitter. Criteria: GeneDx Variant Classification Process June 2021. Collection method: clinical testing. Allele origin: germline. Affected: yes.
Comment: Not observed at significant frequency in large population cohorts (gnomAD); In silico analysis indicates that this missense variant does not alter protein structure/function; Has not been previously published as pathogenic or benign to our knowledge